The following is an entry in ClinVar:

ClinVar aggregate classification (germline): Likely benign (1 of 4 stars; one submission).

Allele frequency attached by ClinVar (database versions not stated): gnomAD exomes below 0.00001; TOPMed 0.00002.
gnomAD v4.1: 2 of 1,602,822 alleles (0.00012%); highest among the groups gnomAD compares: Non-Finnish European, 0.00017%; no homozygotes.

Submission:

CeGaT Center for Human Genetics Tuebingen
Classification: Likely benign. Last evaluated: 2023-07-01. Review status: criteria provided, single submitter. Criteria: CeGaT Center For Human Genetics Tuebingen Variant Classification Criteria Version 2. Collection method: clinical testing. Allele origin: germline. Affected: yes. Observed: 1 variant allele.
Comment: MYO3A: PM2:Supporting, BP4, BP7

NM_017433.5(MYO3A):c.1671A>G (p.Gln557=)

Gene: MYO3A (myosin IIIA; plus strand). Cytogenetic location: 10p12.1.
Variant type: single nucleotide variant.
Coding change: c.1671A>G on transcript NM_017433.5 (MANE Select); coding-DNA position 1671, A replaced by G.
Protein change: p.Gln557=; no amino-acid change (glutamine 557 retained).
Molecular consequence: synonymous variant.
Genome position (GRCh38, 1-based): chr10:26,096,577, A>G. VCF-style: chr10-26096577-A-G. GRCh37 (hg19) VCF-style: chr10-26385506-A-G.
Identifiers: ClinVar variation 2578612 (VCV002578612.25), dbSNP rs1304576258, ClinGen allele CA468480288.